The following is an entry in ClinVar:

NM_000535.7(PMS2):c.802T>G (p.Tyr268Asp)

Gene: PMS2 (PMS1 homolog 2, mismatch repair system component; minus strand). Cytogenetic location: 7p22.1.
Variant type: single nucleotide variant.
Coding change: c.802T>G on transcript NM_000535.7 (MANE Select); coding-DNA position 802, T replaced by G.
Protein change: p.Tyr268Asp; replaces tyrosine 268 with aspartic acid.
Molecular consequence: missense variant. On other transcripts: 5 prime UTR variant (2), non-coding transcript variant (1), intron variant (3).
Genome position (GRCh38, 1-based): chr7:5,997,327, A>C on the plus strand (T>G on the coding strand, the complement: PMS2 is on the minus strand). VCF-style: chr7-5997327-A-C. GRCh37 (hg19) VCF-style: chr7-6036958-A-C.
Other names: c.-132T>G (NM_001322011.2, NM_001322012.2); c.229T>G, p.Tyr77Asp (NM_001322013.2, NM_001406909.1); c.802T>G, p.Tyr268Asp (NM_001322014.2, NM_001406870.1, NM_001406871.1 and 3 more transcripts); c.493T>G, p.Tyr165Asp (NM_001322015.2, NM_001406875.1, NM_001406877.1 and 6 more transcripts); c.988T>G, p.Tyr330Asp (NM_001406866.1); c.826T>G, p.Tyr276Asp (NM_001406868.1); c.694T>G, p.Tyr232Asp (NM_001406869.1); c.634T>G, p.Tyr212Asp (NM_001406874.1, NM_001406884.1); and 7 more; short protein forms Y133D, Y156D, Y162D, Y165D, Y212D, Y232D, Y268D, Y276D.
Identifiers: ClinVar variation 4862095 (VCV004862095.1).

ClinVar aggregate classification (germline): Uncertain significance (1 of 4 stars; one submission).

Conditions:
Hereditary cancer-predisposing syndrome. Also called: Neoplastic Syndromes, Hereditary; Tumor predisposition; Hereditary Cancer Syndrome; Hereditary neoplastic syndrome. Identifiers: Orphanet 140162, MedGen C0027672, MeSH D009386, MONDO:0015356.

Submission:

Ambry Genetics
Classification: Uncertain significance for Hereditary cancer-predisposing syndrome. Last evaluated: 2026-04-07. Review status: criteria provided, single submitter. Criteria: Ambry Variant Classification Scheme 2023. Collection method: clinical testing. Allele origin: germline.
Comment: The p.Y268D variant (also known as c.802T>G), located in coding exon 7 of the PMS2 gene, results from a T to G substitution at nucleotide position 802. The tyrosine at codon 268 is replaced by aspartic acid, an amino acid with highly dissimilar properties. This amino acid position is poorly conserved in available vertebrate species. In addition, this alteration is predicted to be tolerated by in silico analysis. Based on the available evidence, the clinical significance of this variant remains unclear.